The following is an entry in ClinVar:

ClinVar aggregate classification (germline): Uncertain significance (1 of 4 stars; one submission).

Conditions:
POLD1-related polyposis and colorectal cancer syndrome (CRCS10). Also called: Colorectal cancer 10; COLORECTAL CANCER, SUSCEPTIBILITY TO, ON CHROMOSOME 19q; Colorectal cancer, susceptibility to, 10. Identifiers: Orphanet 220460, MedGen C2675481, MONDO:0012953, OMIM 612591.

Submission:

Labcorp Genetics (formerly Invitae), Labcorp
Classification: Uncertain significance for POLD1-related polyposis and colorectal cancer syndrome. Last evaluated: 2020-09-11. Review status: criteria provided, single submitter. Criteria: Invitae Variant Classification Sherloc (09022015). Collection method: clinical testing. Allele origin: germline.
Comment: This variant is not present in population databases (ExAC no frequency). This sequence change replaces valine with leucine at codon 13 of the POLD1 protein (p.Val13Leu). The valine residue is weakly conserved and there is a small physicochemical difference between valine and leucine. In summary, the available evidence is currently insufficient to determine the role of this variant in disease. Therefore, it has been classified as a Variant of Uncertain Significance. Algorithms developed to predict the effect of missense changes on protein structure and function are either unavailable or do not agree on the potential impact of this missense change (SIFT: "Tolerated"; PolyPhen-2: "Not Available"; Align-GVGD: "Class C0"). This variant has not been reported in the literature in individuals with POLD1-related conditions.

NM_002691.4(POLD1):c.37G>C (p.Val13Leu)

Gene: POLD1 (DNA polymerase delta 1, catalytic subunit; plus strand). Cytogenetic location: 19q13.33.
Variant type: single nucleotide variant.
Coding change: c.37G>C on transcript NM_002691.4 (MANE Select); coding-DNA position 37, G replaced by C.
Protein change: p.Val13Leu; replaces valine 13 with leucine.
Molecular consequence: missense variant. On other transcripts: non-coding transcript variant (1).
Genome position (GRCh38, 1-based): chr19:50,398,888, G>C. VCF-style: chr19-50398888-G-C. GRCh37 (hg19) VCF-style: chr19-50902145-G-C.
Other names: c.37G>C, p.Val13Leu (NM_001256849.1, NM_001308632.1); short protein forms V13L.
Identifiers: ClinVar variation 1051972 (VCV001051972.9), dbSNP rs760884573, ClinGen allele CA406970018.